The following is an entry in ClinVar:

NM_006096.4(NDRG1):c.*956T>C

Gene: NDRG1 (N-myc downstream regulated 1; minus strand). Cytogenetic location: 8q24.22.
Variant type: single nucleotide variant.
Coding change: c.*956T>C on transcript NM_006096.4 (MANE Select); 956 bases downstream of the stop codon, T replaced by C.
Molecular consequence: 3 prime UTR variant.
Genome position (GRCh38, 1-based): chr8:133,237,922, A>G on the plus strand (T>C on the coding strand, the complement: NDRG1 is on the minus strand). VCF-style: chr8-133237922-A-G. GRCh37 (hg19) VCF-style: chr8-134250165-A-G.
Other names: c.*956T>C (NM_001135242.2, NM_001258432.2, NM_001258433.2 and 4 more transcripts).
Identifiers: ClinVar variation 362015 (VCV000362015.6), dbSNP rs1049697, ClinGen allele CA10630326.
Genomic context (GRCh38, chr8:133,237,922, plus strand): 5'-AACTGCACTGGATCTCAACACAACAACAAGGAATCCCTTACATCGAGTAACCCCAATTCC[A>G]CCCCCACCCCAGTGCTCCTACTCCGGCCCCTGCAAGGACACTCATCACAGCCAGGGCAGC-3'

ClinVar aggregate classification (germline): Benign. Review status: criteria provided, multiple submitters, no conflicts (2 of 4 stars). 2 submissions from 2 submitters: Benign (2). Last evaluated 2018-01-13.

Conditions:
Charcot-Marie-Tooth disease type 4D. Also called: CHARCOT-MARIE-TOOTH DISEASE, DEMYELINATING, AUTOSOMAL RECESSIVE, TYPE 4D; NEUROPATHY, HEREDITARY MOTOR AND SENSORY, LOM TYPE; Charcot-Marie-Tooth Neuropathy Type 4D; CHARCOT-MARIE-TOOTH DISEASE, DEMYELINATING, TYPE 4D. Identifiers: Orphanet 99950, MedGen C1832334, MONDO:0011085, OMIM 601455.

Allele frequency attached by ClinVar (database versions not stated): gnomAD exomes 0.81995; 1000 Genomes Project 0.83027; 1000 Genomes Project 30x 0.83401; gnomAD 0.83432 and 0.83830; TOPMed 0.84814.
gnomAD v4.1: 193,370 of 232,876 alleles (83%); highest among the groups gnomAD compares: African/African-American, 91%; 80,814 homozygotes.

Submissions (2):

Illumina Laboratory Services, Illumina
Classification: Benign for Charcot-Marie-Tooth disease type 4D. Last evaluated: 2018-01-13. Review status: criteria provided, single submitter. Criteria: ICSL Variant Classification Criteria 13 December 2019. Collection method: clinical testing. Allele origin: germline.
Comment: This variant was observed in the ICSL laboratory as part of a predisposition screen in an ostensibly healthy population. It had not been previously curated by ICSL or reported in the Human Gene Mutation Database (HGMD: prior to June 1st, 2018), and was therefore a candidate for classification through an automated scoring system. Utilizing variant allele frequency, disease prevalence and penetrance estimates, and inheritance mode, an automated score was calculated to assess if this variant is too frequent to cause the disease. Based on the score and internal cut-off values, a variant classified as benign is not then subjected to further curation. The score for this variant resulted in a classification of benign for this disease.

Breakthrough Genomics
Classification: Benign. Review status: criteria provided, single submitter. Criteria: ACMG Guidelines, 2015. Collection method: not provided. Allele origin: germline. Inheritance: Autosomal recessive inheritance. Affected: yes.